The following is an entry in ClinVar:

NM_000101.4(CYBA):c.61C>T (p.Leu21Phe)

Gene: CYBA (cytochrome b-245 alpha chain; minus strand). Cytogenetic location: 16q24.2.
Variant type: single nucleotide variant.
Coding change: c.61C>T on transcript NM_000101.4 (MANE Select); coding-DNA position 61, C replaced by T.
Protein change: p.Leu21Phe; replaces leucine 21 with phenylalanine.
Molecular consequence: missense variant.
Genome position (GRCh38, 1-based): chr16:88,648,112, G>A on the plus strand (C>T on the coding strand, the complement: CYBA is on the minus strand). VCF-style: chr16-88648112-G-A. GRCh37 (hg19) VCF-style: chr16-88714520-G-A.
Other names: short protein forms L21F.
Identifiers: ClinVar variation 1042718 (VCV001042718.6), dbSNP rs1289829806, ClinGen allele CA397066035.
Genomic context (GRCh38, chr16:88,648,112, plus strand): 5'-AGGCACCAAAGTACCACTGGGTGAAGCGCCCAGCTGTGGCCACGATGCCCCCGGTGATGA[G>A]GACTGCGGGGAGAAGTGGGTCAGGCACTGTGGGGCTCCCGTCCCGGGGGCCTGGGCCACC-3'
Protein context (NP_000092.2, residues 11-31): NEQALASGLI[Leu21Phe]ITGGIVATAG

ClinVar aggregate classification (germline): Uncertain significance (1 of 4 stars; one submission).

Conditions:
Granulomatous disease, chronic, autosomal recessive, cytochrome b-negative. Also called: CGD DUE TO DEFICIENCY OF THE ALPHA SUBUNIT OF CYTOCHROME b; CGD, AUTOSOMAL RECESSIVE CYTOCHROME b-NEGATIVE; GRANULOMATOUS DISEASE, CHRONIC, AUTOSOMAL RECESSIVE, 4; CYBA DEFICIENCY; Chronic granulomatous disease, autosomal, due to deficiency of CYBA. Identifiers: Orphanet 379, MedGen C1856255, MONDO:0009308, OMIM 233690.

Allele frequency attached by ClinVar (database versions not stated): gnomAD exomes below 0.00001; gnomAD 0.00001; TOPMed 0.00001.

Submission:

Labcorp Genetics (formerly Invitae), Labcorp
Classification: Uncertain significance for Granulomatous disease, chronic, autosomal recessive, cytochrome b-negative. Last evaluated: 2022-04-29. Review status: criteria provided, single submitter. Criteria: Invitae Variant Classification Sherloc (09022015). Collection method: clinical testing. Allele origin: germline.
Comment: This sequence change replaces leucine, which is neutral and non-polar, with phenylalanine, which is neutral and non-polar, at codon 21 of the CYBA protein (p.Leu21Phe). This variant is present in population databases (no rsID available, gnomAD 0.002%). This variant has not been reported in the literature in individuals affected with CYBA-related conditions. ClinVar contains an entry for this variant (Variation ID: 1042718). Algorithms developed to predict the effect of missense changes on protein structure and function are either unavailable or do not agree on the potential impact of this missense change (SIFT: "Deleterious"; PolyPhen-2: "Possibly Damaging"; Align-GVGD: "Class C0"). In summary, the available evidence is currently insufficient to determine the role of this variant in disease. Therefore, it has been classified as a Variant of Uncertain Significance.